The following is an entry in ClinVar:

ClinVar aggregate classification (germline): Uncertain significance (1 of 4 stars; one submission).

Allele frequency attached by ClinVar (database versions not stated): gnomAD exomes below 0.00001 and 0.00001; ExAC 0.00001; gnomAD 0.00001; TOPMed 0.00001; ESP Exome Variant Server 0.00008.
gnomAD v4.1: 11 of 1,614,010 alleles (0.00068%); highest among the groups gnomAD compares: Non-Finnish European, 0.00085%; no homozygotes.

Submission:

GeneDx
Classification: Uncertain significance. Last evaluated: 2016-10-10. Review status: criteria provided, single submitter. Criteria: GeneDx Variant Classification (06012015). Collection method: clinical testing. Allele origin: germline. Affected: yes.
Comment: The R64Q variant in the AASS gene has not been reported previously as a pathogenic variant, nor as a benign variant, to our knowledge. The R64Q variant was not observed with any significant frequency in approximately 6500 individuals of European and African American ancestry in the NHLBI Exome Sequencing Project, indicating it is not a common benign variant in these populations. The R64Q variant is a semi-conservative amino acid substitution, which may impact secondary protein structure as these residues differ in some properties. This substitution occurs at a position that is conserved across species. In silico analysis predicts this variant is probably damaging to the protein structure/function. We interpret R64Q as a variant of uncertain significance.

NM_005763.4(AASS):c.191G>A (p.Arg64Gln)

Gene: AASS (aminoadipate-semialdehyde synthase; minus strand). Cytogenetic location: 7q31.32.
Variant type: single nucleotide variant.
Coding change: c.191G>A on transcript NM_005763.4 (MANE Select); coding-DNA position 191, G replaced by A.
Protein change: p.Arg64Gln; replaces arginine 64 with glutamine.
Molecular consequence: missense variant.
Genome position (GRCh38, 1-based): chr7:122,133,536, C>T on the plus strand (G>A on the coding strand, the complement: AASS is on the minus strand). VCF-style: chr7-122133536-C-T. GRCh37 (hg19) VCF-style: chr7-121773590-C-T.
Other names: short protein forms R64Q.
Identifiers: ClinVar variation 389806 (VCV000389806.2), dbSNP rs369365675, ClinGen allele CA4458716.
Genomic context (GRCh38, chr7:122,133,536, plus strand): 5'-GGTTCATTTTATTCTCACATAAAAATATTGGAAATACTCACCTTATCATGAATGGCCCGC[C>T]GATTCGAAGGCTGTATCAAGACCTTGTATCCCAGATTGGTGATGCCTTTGATGTGCTTGG-3'
Protein context (NP_005754.2, residues 54-74): GYKVLIQPSN[Arg64Gln]RAIHDKDYVK